The following is an entry in ClinVar:

NM_000485.3(APRT):c.266G>A (p.Arg89Gln)

Gene: APRT (adenine phosphoribosyltransferase; minus strand). Cytogenetic location: 16q24.3.
Variant type: single nucleotide variant.
Coding change: c.266G>A on transcript NM_000485.3 (MANE Select); coding-DNA position 266, G replaced by A.
Protein change: p.Arg89Gln; replaces arginine 89 with glutamine.
Molecular consequence: missense variant.
Genome position (GRCh38, 1-based): chr16:88,810,478, C>T on the plus strand (G>A on the coding strand, the complement: APRT is on the minus strand). VCF-style: chr16-88810478-C-T. GRCh37 (hg19) VCF-style: chr16-88876886-C-T.
Other names: p.Arg89Gln; c.266G>A, p.Arg89Gln (NM_001030018.2); short protein forms R89Q.
Identifiers: ClinVar variation 884724 (VCV000884724.15), dbSNP rs150156607, ClinGen allele CA8234492.
Genomic context (GRCh38, chr16:88,810,478, plus strand): 5'-CTTACCTTCCCGTACTCCAGGGAATAGGAGGCCCACAGAGTGGGGCCTGGCAGCTTCCCC[C>T]GCTTTCGGATGAGCACGCAGCCCAGTCCAAGCTCCTGGGCCAGGGAGGGGCCAAAGAGGA-3'
Protein context (NP_000476.1, residues 79-99): LGLGCVLIRK[Arg89Gln]GKLPGPTLWA

ClinVar aggregate classification (germline): Benign/Likely benign. Review status: criteria provided, multiple submitters, no conflicts (2 of 4 stars). 4 submissions from 4 submitters: Benign (1); Likely benign (2). 1 of the submissions does not count toward it. Last evaluated 2025-12-24.

Conditions:
Adenine phosphoribosyltransferase deficiency (APRTD). Also called: Urolithiasis, dha; 2,8-dihydroxyadenine urolithiasis; APRT DEFICIENCY; NEPHROLITHIASIS, DHA. Identifiers: Orphanet 976, MedGen C0268120, MONDO:0013869, OMIM 614723.
APRT-related disorder. Also called: APRT-related condition.

Allele frequency attached by ClinVar (database versions not stated): ESP Exome Variant Server 0.00046; TOPMed 0.00053; gnomAD 0.00065; ExAC 0.00099; 1000 Genomes Project 30x 0.00156; 1000 Genomes Project 0.00180.
gnomAD v4.1: 1,841 of 1,612,298 alleles (0.11%); highest among the groups gnomAD compares: South Asian, 0.41%; 5 homozygotes.

Submissions (4):

Labcorp Genetics (formerly Invitae), Labcorp
Classification: Likely benign. Last evaluated: 2025-12-24. Review status: criteria provided, single submitter. Criteria: Invitae Variant Classification Sherloc (09022015). Collection method: clinical testing. Allele origin: germline.

Mayo Clinic Laboratories, Mayo Clinic
Classification: Likely benign. Last evaluated: 2024-11-20. Review status: criteria provided, single submitter. Criteria: ACMG Guidelines, 2015. Collection method: clinical testing. Allele origin: germline. Observed: 1 variant allele.
Comment: BS1

Illumina Laboratory Services, Illumina
Classification: Benign for Adenine phosphoribosyltransferase deficiency. Last evaluated: 2017-04-27. Review status: criteria provided, single submitter. Criteria: ICSL Variant Classification Criteria 13 December 2019. Collection method: clinical testing. Allele origin: germline.
Comment: This variant was observed as part of a predisposition screen in an ostensibly healthy population. A literature search was performed for the gene, cDNA change, and amino acid change (where applicable). Publications were found based on this search. The evidence from the literature, in combination with allele frequency data from public databases where available, was sufficient to rule this variant out of causing disease. Therefore, this variant is classified as benign.

PreventionGenetics, part of Exact Sciences
Classification: Likely benign for APRT-related condition. Last evaluated: 2023-09-11. Review status: no assertion criteria provided. Collection method: clinical testing. Allele origin: germline. Not counted in ClinVar's aggregate classification.
Comment: This variant is classified as likely benign based on ACMG/AMP sequence variant interpretation guidelines (Richards et al. 2015 PMID: 25741868, with internal and published modifications).

Literature cited by the submitters: PubMed 11243733 (cited by Mayo Clinic Laboratories, Mayo Clinic); PubMed 10393170 (cited by Illumina Laboratory Services, Illumina).